The following is an entry in ClinVar:

NM_024577.4(SH3TC2):c.2201C>T (p.Ala734Val)

Gene: SH3TC2 (SH3 domain and tetratricopeptide repeats 2; minus strand). Cytogenetic location: 5q32.
Variant type: single nucleotide variant.
Coding change: c.2201C>T on transcript NM_024577.4 (MANE Select); coding-DNA position 2201, C replaced by T.
Protein change: p.Ala734Val; replaces alanine 734 with valine.
Molecular consequence: missense variant.
Genome position (GRCh38, 1-based): chr5:149,027,531, G>A on the plus strand (C>T on the coding strand, the complement: SH3TC2 is on the minus strand). VCF-style: chr5-149027531-G-A. GRCh37 (hg19) VCF-style: chr5-148407094-G-A.
Other names: short protein forms A734V.
Identifiers: ClinVar variation 1976569 (VCV001976569.5), dbSNP rs2531772389, ClinGen allele CA361666861.

ClinVar aggregate classification (germline): Uncertain significance (1 of 4 stars; one submission).

Conditions:
Charcot-Marie-Tooth disease type 4. Also called: Charcot-Marie-Tooth disease, type IV; Charcot-Marie-Tooth, Type 4. Identifiers: Orphanet 64749, MedGen C4082197, MONDO:0018995.

Submission:

Labcorp Genetics (formerly Invitae), Labcorp
Classification: Uncertain significance for Charcot-Marie-Tooth disease type 4. Last evaluated: 2022-06-15. Review status: criteria provided, single submitter. Criteria: Invitae Variant Classification Sherloc (09022015). Collection method: clinical testing. Allele origin: germline.
Comment: This variant has not been reported in the literature in individuals affected with SH3TC2-related conditions. In summary, the available evidence is currently insufficient to determine the role of this variant in disease. Therefore, it has been classified as a Variant of Uncertain Significance. Advanced modeling of protein sequence and biophysical properties (such as structural, functional, and spatial information, amino acid conservation, physicochemical variation, residue mobility, and thermodynamic stability) performed at Invitae indicates that this missense variant is not expected to disrupt SH3TC2 protein function. This variant is not present in population databases (gnomAD no frequency). This sequence change replaces alanine, which is neutral and non-polar, with valine, which is neutral and non-polar, at codon 734 of the SH3TC2 protein (p.Ala734Val).